The following is an entry in ClinVar:

NM_002397.5(MEF2C):c.183C>G (p.Asp61Glu)

Gene: MEF2C (myocyte enhancer factor 2C; minus strand). Cytogenetic location: 5q14.3.
Variant type: single nucleotide variant.
Coding change: c.183C>G on transcript NM_002397.5 (MANE Select); coding-DNA position 183, C replaced by G.
Protein change: p.Asp61Glu; replaces aspartic acid 61 with glutamic acid.
Molecular consequence: missense variant.
Genome position (GRCh38, 1-based): chr5:88,804,673, G>C on the plus strand (C>G on the coding strand, the complement: MEF2C is on the minus strand). VCF-style: chr5-88804673-G-C. GRCh37 (hg19) VCF-style: chr5-88100490-G-C.
Other names: c.183C>G, p.Asp61Glu (NM_001131005.2, NM_001193347.1, NM_001193348.1 and 29 more transcripts); short protein forms D61E.
Identifiers: ClinVar variation 5008324 (VCV005008324.1).
Genomic context (GRCh38, chr5:88,804,673, plus strand): 5'-GTTTGTCCGGCTCTCATGCGGCTCGTTGTACTCCGTGTACTTGAGAAGCACTTTGTCCAT[G>C]TCGGTGCTGGCATACTGGAACAGCTTGTTGGTGCTGTTGAAGATGATCAGCGCAATCTCA-3'
Protein context (NP_002388.2, residues 51-71): TNKLFQYAST[Asp61Glu]MDKVLLKYTE

ClinVar aggregate classification (germline): Uncertain significance (1 of 4 stars; one submission).

Submission:

GeneDx
Classification: Uncertain significance. Last evaluated: 2026-03-01. Review status: criteria provided, single submitter. Criteria: GeneDx Variant Classification Process June 2021. Collection method: clinical testing. Allele origin: germline.
Comment: Not observed at significant frequency in large population cohorts (gnomAD); In silico analysis supports that this missense variant has a deleterious effect on protein structure/function; Has not been previously published as pathogenic or benign to our knowledge